The following is an entry in ClinVar:

ClinVar aggregate classification (germline): Benign/Likely benign. Review status: criteria provided, multiple submitters, no conflicts (2 of 4 stars). 3 submissions from 3 submitters: Benign (1); Likely benign (2). Last evaluated 2026-07-27.

Conditions:
Familial cancer of breast. Also called: BREAST CANCER, FAMILIAL; Hereditary breast cancer; hereditary breast carcinoma. Identifiers: Orphanet 227535, MedGen C0346153, MONDO:0016419, OMIM 114480. Disease mechanism: loss of function.
Hereditary cancer-predisposing syndrome. Also called: Tumor predisposition; Hereditary Cancer Syndrome; Neoplastic Syndromes, Hereditary; Hereditary neoplastic syndrome. Identifiers: Orphanet 140162, MedGen C0027672, MeSH D009386, MONDO:0015356.

Allele frequency attached by ClinVar (database versions not stated): gnomAD exomes below 0.00001.
gnomAD v4.1: 1 of 1,612,312 alleles (0.000062%); highest among the groups gnomAD compares: African/African-American, 0.0013%; no homozygotes.

Submissions (3):

Ambry Genetics
Classification: Likely benign for Hereditary cancer-predisposing syndrome. Last evaluated: 2026-07-27. Review status: criteria provided, single submitter. Criteria: Ambry Variant Classification Scheme 2023. Collection method: clinical testing. Allele origin: germline.

Myriad Genetics, Inc.
Classification: Benign for Familial cancer of breast. Last evaluated: 2024-07-19. Review status: criteria provided, single submitter. Criteria: Myriad Autosomal Dominant, Autosomal Recessive and X-Linked Classification Criteria (2023). Collection method: clinical testing. Allele origin: unknown.
Comment: This variant is considered benign. This variant is a silent/synonymous amino acid change and it is not expected to impact splicing.

Labcorp Genetics (formerly Invitae), Labcorp
Classification: Likely benign for Familial cancer of breast. Last evaluated: 2019-01-21. Review status: criteria provided, single submitter. Criteria: Invitae Variant Classification Sherloc (09022015). Collection method: clinical testing. Allele origin: germline.

NM_000465.4(BARD1):c.249T>C (p.Cys83=)

Gene: BARD1 (BRCA1 associated RING domain 1; minus strand). Cytogenetic location: 2q35.
Variant type: single nucleotide variant.
Coding change: c.249T>C on transcript NM_000465.4 (MANE Select); coding-DNA position 249, T replaced by C.
Protein change: p.Cys83=; no amino-acid change (cysteine 83 retained).
Molecular consequence: synonymous variant. On other transcripts: non-coding transcript variant (1), intron variant (2).
Genome position (GRCh38, 1-based): chr2:214,792,412, A>G on the plus strand (T>C on the coding strand, the complement: BARD1 is on the minus strand). VCF-style: chr2-214792412-A-G. GRCh37 (hg19) VCF-style: chr2-215657136-A-G.
Other names: c.249T>C (NM_000465.2); c.192T>C, p.Cys64= (NM_001282543.2); c.249T>C, p.Cys83= (NM_001282549.2); c.158+17000T>C (NM_001282548.2); c.215+4649T>C (NM_001282545.2).
Identifiers: ClinVar variation 800141 (VCV000800141.13), dbSNP rs1574839902, ClinGen allele CA431142187.